The following is an entry in ClinVar:

ClinVar aggregate classification (germline): Uncertain significance (1 of 4 stars; one submission).

Conditions:
Autosomal recessive nonsyndromic hearing loss 12. Also called: DEAFNESS, AUTOSOMAL RECESSIVE 12. Identifiers: Orphanet 90636, MedGen C1832394, MONDO:0011067, OMIM 601386.
Hearing loss, autosomal dominant 82. Also called: Deafness, autosomal dominant 82. Identifiers: MedGen C5676948, MONDO:0030719, OMIM 619804.

Submission:

Juno Genomics, Hangzhou Juno Genomics, Inc
Classification: Uncertain significance for Autosomal recessive nonsyndromic hearing loss 12; Hearing loss, autosomal dominant 82. Review status: criteria provided, single submitter. Criteria: ACMG Guidelines, 2015. Collection method: clinical testing. Allele origin: germline.
Comment: Absent from controls (or at extremely low frequency if recessive) in Genome Aggregation Database.;Multiple lines of computational evidence support a deleterious effect on the gene or gene product.

NM_001001331.4(ATP2B2):c.463G>A (p.Ala155Thr)

Gene: ATP2B2 (ATPase plasma membrane Ca2+ transporting 2; minus strand). Cytogenetic location: 3p25.3.
Variant type: single nucleotide variant.
Coding change: c.463G>A on transcript NM_001001331.4 (MANE Select); coding-DNA position 463, G replaced by A.
Protein change: p.Ala155Thr; replaces alanine 155 with threonine.
Molecular consequence: missense variant.
Genome position (GRCh38, 1-based): chr3:10,402,283, C>T on the plus strand (G>A on the coding strand, the complement: ATP2B2 is on the minus strand). VCF-style: chr3-10402283-C-T. GRCh37 (hg19) VCF-style: chr3-10443967-C-T.
Other names: c.463G>A, p.Ala155Thr (NM_001330611.3, NM_001353564.1, NM_001363862.1 and 3 more transcripts); short protein forms A155T.
Identifiers: ClinVar variation 5006518 (VCV005006518.2).